The following is an entry in ClinVar:

NM_000631.5(NCF4):c.170G>A (p.Arg57His)

Genes: NCF4 (neutrophil cytosolic factor 4; plus strand), NCF4-AS1 (NCF4 antisense RNA 1; minus strand). Cytogenetic location: 22q12.3.
Variant type: single nucleotide variant.
Coding change: c.170G>A on transcript NM_000631.5 (MANE Select); coding-DNA position 170, G replaced by A.
Protein change: p.Arg57His; replaces arginine 57 with histidine.
Molecular consequence: missense variant.
Genome position (GRCh38, 1-based): chr22:36,864,971, G>A. VCF-style: chr22-36864971-G-A. GRCh37 (hg19) VCF-style: chr22-37261013-G-A.
Other names: c.170G>A, p.Arg57His (NM_013416.4); c.170G>A (NM_013416.3); short protein forms R57H.
Identifiers: ClinVar variation 1412015 (VCV001412015.8), dbSNP rs746353194, ClinGen allele CA411379023.

ClinVar aggregate classification (germline): Uncertain significance. Review status: criteria provided, multiple submitters, no conflicts (2 of 4 stars). 3 submissions from 3 submitters: Uncertain significance (3). Last evaluated 2025-11-20.

Conditions:
Granulomatous disease, chronic, autosomal recessive, cytochrome b-positive, type 3. Also called: GRANULOMATOUS DISEASE, CHRONIC, AUTOSOMAL RECESSIVE, 3; CGD, AUTOSOMAL RECESSIVE CYTOCHROME b-POSITIVE, TYPE III; GRANULOMATOUS DISEASE, CHRONIC, DUE TO NCF4 DEFICIENCY; Granulomatous disease, chronic, autosomal recessive, cytochrome b-positive, type III. Identifiers: Orphanet 379, MedGen C3151409, MONDO:0013507, OMIM 613960.

Allele frequency attached by ClinVar (database versions not stated): gnomAD 0.00002.

Submissions (3):

Ambry Genetics
Classification: Uncertain significance. Last evaluated: 2025-11-20. Review status: criteria provided, single submitter. Criteria: Ambry Variant Classification Scheme 2023. Collection method: clinical testing. Allele origin: germline.

Labcorp Genetics (formerly Invitae), Labcorp
Classification: Uncertain significance for Granulomatous disease, chronic, autosomal recessive, cytochrome b-positive, type 3. Last evaluated: 2022-05-29. Review status: criteria provided, single submitter. Criteria: Invitae Variant Classification Sherloc (09022015). Collection method: clinical testing. Allele origin: germline.
Comment: In summary, the available evidence is currently insufficient to determine the role of this variant in disease. Therefore, it has been classified as a Variant of Uncertain Significance. Algorithms developed to predict the effect of missense changes on protein structure and function are either unavailable or do not agree on the potential impact of this missense change (SIFT: "Deleterious"; PolyPhen-2: "Probably Damaging"; Align-GVGD: "Class C0"). ClinVar contains an entry for this variant (Variation ID: 1412015). This variant has not been reported in the literature in individuals affected with NCF4-related conditions. This variant is present in population databases (no rsID available, gnomAD 0.004%). This sequence change replaces arginine, which is basic and polar, with histidine, which is basic and polar, at codon 57 of the NCF4 protein (p.Arg57His).

Blueprint Genetics
Classification: Uncertain significance. Last evaluated: 2021-10-14. Review status: criteria provided, single submitter. Criteria: ACMG Guidelines, 2015. Collection method: clinical testing. Allele origin: germline.